The following is an entry in ClinVar:

ClinVar aggregate classification (germline): Uncertain significance (1 of 4 stars; one submission).

Conditions:
Cardiovascular phenotype. Identifiers: MedGen CN230736.

gnomAD v4.1: 1 of 1,613,350 alleles (0.000062%); highest among the groups gnomAD compares: Non-Finnish European, 0.000085%; no homozygotes.

Submission:

Ambry Genetics
Classification: Uncertain significance for Cardiovascular phenotype. Last evaluated: 2026-07-28. Review status: criteria provided, single submitter. Criteria: Ambry Variant Classification Scheme 2023. Collection method: clinical testing. Allele origin: germline.
Comment: The p.A186T variant (also known as c.556G>A), located in coding exon 4 of the EPHB4 gene, results from a G to A substitution at nucleotide position 556. The alanine at codon 186 is replaced by threonine, an amino acid with similar properties. This amino acid position is conserved. In addition, this alteration is predicted to be tolerated by in silico analysis. Based on the available evidence, the clinical significance of this variant remains unclear.

NM_004444.5(EPHB4):c.556G>A (p.Ala186Thr)

Gene: EPHB4 (EPH receptor B4; minus strand). Cytogenetic location: 7q22.1.
Variant type: single nucleotide variant.
Coding change: c.556G>A on transcript NM_004444.5 (MANE Select); coding-DNA position 556, G replaced by A.
Protein change: p.Ala186Thr; replaces alanine 186 with threonine.
Molecular consequence: missense variant.
Genome position (GRCh38, 1-based): chr7:100,822,523, C>T on the plus strand (G>A on the coding strand, the complement: EPHB4 is on the minus strand). VCF-style: chr7-100822523-C-T. GRCh37 (hg19) VCF-style: chr7-100420145-C-T.
Other names: short protein forms A186T.
Identifiers: ClinVar variation 5036048 (VCV005036048.1).